The following is an entry in ClinVar:

ClinVar aggregate classification (germline): Uncertain significance. Review status: criteria provided, multiple submitters, no conflicts (2 of 4 stars). 3 submissions from 3 submitters: Uncertain significance (3). Last evaluated 2025-06-03.

Conditions:
Inborn genetic diseases. Identifiers: MedGen C0950123, MeSH D030342.

Allele frequency attached by ClinVar (database versions not stated): TOPMed below 0.00001; gnomAD exomes below 0.00001.
gnomAD v4.1: 3 of 1,614,188 alleles (0.00019%); highest among the groups gnomAD compares: Non-Finnish European, 0.00025%; no homozygotes.

Submissions (3):

Ambry Genetics
Classification: Uncertain significance for Inborn genetic diseases. Last evaluated: 2025-06-03. Review status: criteria provided, single submitter. Criteria: Ambry Variant Classification Scheme 2023. Collection method: clinical testing. Allele origin: germline.

Blueprint Genetics
Classification: Uncertain significance. Last evaluated: 2022-11-21. Review status: criteria provided, single submitter. Criteria: ACMG Guidelines, 2015. Collection method: clinical testing. Allele origin: germline.

Labcorp Genetics (formerly Invitae), Labcorp
Classification: Uncertain significance. Last evaluated: 2022-08-08. Review status: criteria provided, single submitter. Criteria: Invitae Variant Classification Sherloc (09022015). Collection method: clinical testing. Allele origin: germline.
Comment: In summary, the available evidence is currently insufficient to determine the role of this variant in disease. Therefore, it has been classified as a Variant of Uncertain Significance. Algorithms developed to predict the effect of missense changes on protein structure and function are either unavailable or do not agree on the potential impact of this missense change (SIFT: "Tolerated"; PolyPhen-2: "Probably Damaging"; Align-GVGD: "Class C0"). This missense change has been observed in individual(s) with clinical features of RDH5-related conditions (Invitae). In at least one individual the data is consistent with being in trans (on the opposite chromosome) from a pathogenic variant. This variant is not present in population databases (gnomAD no frequency). This sequence change replaces glutamic acid, which is acidic and polar, with glycine, which is neutral and non-polar, at codon 269 of the RDH5 protein (p.Glu269Gly).

NM_002905.5(RDH5):c.806A>G (p.Glu269Gly)

Genes: BLOC1S1-RDH5 (BLOC1S1-RDH5 readthrough; plus strand), CD63 (CD63 molecule; minus strand), RDH5 (retinol dehydrogenase 5; plus strand). Cytogenetic location: 12q13.2.
Variant type: single nucleotide variant.
Coding change: c.806A>G on transcript NM_002905.5 (MANE Select); coding-DNA position 806, A replaced by G.
Protein change: p.Glu269Gly; replaces glutamic acid 269 with glycine.
Molecular consequence: missense variant. On other transcripts: non-coding transcript variant (1), 3 prime UTR variant (2).
Genome position (GRCh38, 1-based): chr12:55,724,394, A>G. VCF-style: chr12-55724394-A-G. GRCh37 (hg19) VCF-style: chr12-56118178-A-G.
Other names: c.806A>G, p.Glu269Gly (NM_001199771.3); c.*670T>C (NM_001413284.1); c.*685T>C (NM_001413285.1); short protein forms E269G.
Identifiers: ClinVar variation 1903216 (VCV001903216.6), dbSNP rs1428192131, ClinGen allele CA385203222.